The following is an entry in ClinVar:

NM_002470.4(MYH3):c.3659A>G (p.Lys1220Arg)

Gene: MYH3 (myosin heavy chain 3; minus strand). Cytogenetic location: 17p13.1.
Variant type: single nucleotide variant.
Coding change: c.3659A>G on transcript NM_002470.4 (MANE Select); coding-DNA position 3659, A replaced by G.
Protein change: p.Lys1220Arg; replaces lysine 1220 with arginine.
Molecular consequence: missense variant.
Genome position (GRCh38, 1-based): chr17:10,638,113, T>C on the plus strand (A>G on the coding strand, the complement: MYH3 is on the minus strand). VCF-style: chr17-10638113-T-C. GRCh37 (hg19) VCF-style: chr17-10541430-T-C.
Other names: short protein forms K1220R.
Identifiers: ClinVar variation 3687568 (VCV003687568.2).
Genomic context (GRCh38, chr17:10,638,113, plus strand): 5'-GACACACTCTCCATGCTGCTGGAGAGGTCATCGATCTCCAGCTTGAACTCGCTCTTCTCC[T>C]TCTCCAGCTTCTGCTTGACCCGCTGCAGGTTGTCAATCTGCTCCCCAAGCTCGGCCACAC-3'
Protein context (NP_002461.2, residues 1210-1230): NLQRVKQKLE[Lys1220Arg]EKSEFKLEID

ClinVar aggregate classification (germline): Uncertain significance (1 of 4 stars; one submission).

Submission:

Labcorp Genetics (formerly Invitae), Labcorp
Classification: Uncertain significance. Last evaluated: 2024-11-21. Review status: criteria provided, single submitter. Criteria: Invitae Variant Classification Sherloc (09022015). Collection method: clinical testing. Allele origin: germline.
Comment: This sequence change replaces lysine, which is basic and polar, with arginine, which is basic and polar, at codon 1220 of the MYH3 protein (p.Lys1220Arg). This variant is not present in population databases (gnomAD no frequency). This variant has not been reported in the literature in individuals affected with MYH3-related conditions. Invitae Evidence Modeling of protein sequence and biophysical properties (such as structural, functional, and spatial information, amino acid conservation, physicochemical variation, residue mobility, and thermodynamic stability) indicates that this missense variant is not expected to disrupt MYH3 protein function with a negative predictive value of 95%. In summary, the available evidence is currently insufficient to determine the role of this variant in disease. Therefore, it has been classified as a Variant of Uncertain Significance.